The following is an entry in ClinVar:

NM_002471.4(MYH6):c.4914T>C (p.Ala1638=)

Genes: MYH6 (myosin heavy chain 6; minus strand), LOC126861896 (BRD4-independent group 4 enhancer GRCh37_chr14:23854904-23856103; plus strand). Cytogenetic location: 14q11.2.
Variant type: single nucleotide variant.
Coding change: c.4914T>C on transcript NM_002471.4 (MANE Select); coding-DNA position 4914, T replaced by C.
Protein change: p.Ala1638=; no amino-acid change (alanine 1638 retained).
Molecular consequence: synonymous variant.
Genome position (GRCh38, 1-based): chr14:23,386,360, A>G on the plus strand (T>C on the coding strand, the complement: MYH6 is on the minus strand). VCF-style: chr14-23386360-A-G. GRCh37 (hg19) VCF-style: chr14-23855569-A-G.
Identifiers: ClinVar variation 44526 (VCV000044526.46), dbSNP rs178640, ClinGen allele CA134446.
Genomic context (GRCh38, chr14:23,386,360, plus strand): 5'-CCCGCCCCCATGTACCTTCAGCAAGCTCTGGAGGCTCTTGACTTGCTTCTGGGCCTCGGC[A>G]GCCATGCGGTTGGCGTGGCTGAGCTGGATCTCCATCTCATTGAGGTCTCCTTCCATCTTC-3'
Protein context (NP_002462.2, residues 1628-1648): EIQLSHANRM[Ala1638=]AEAQKQVKSL

ClinVar aggregate classification (germline): Benign. Review status: criteria provided, multiple submitters, no conflicts (2 of 4 stars). 13 submissions from 13 submitters: Benign (9). 4 of the submissions do not count toward it. Last evaluated 2026-02-04.

Conditions:
Cardiovascular phenotype. Identifiers: MedGen CN230736.
Hypertrophic cardiomyopathy 14. Identifiers: MedGen C2750467, MONDO:0013197, OMIM 613251.

Allele frequency attached by ClinVar (database versions not stated): gnomAD exomes 0.45215 and 0.47690; ExAC 0.46489; 1000 Genomes Project 30x 0.49047; 1000 Genomes Project 0.49281; gnomAD 0.52673 and 0.53346; TOPMed 0.52730; ESP Exome Variant Server 0.55321.
gnomAD v4.1: 777,335 of 1,613,716 alleles (48%); highest among the groups gnomAD compares: African/African-American, 71%; 192,156 homozygotes.

Submissions (13):

Labcorp Genetics (formerly Invitae), Labcorp
Classification: Benign for Hypertrophic cardiomyopathy 14. Last evaluated: 2026-02-04. Review status: criteria provided, single submitter. Criteria: Invitae Variant Classification Sherloc (09022015). Collection method: clinical testing. Allele origin: germline.

ARUP Laboratories, Molecular Genetics and Genomics, ARUP Laboratories
Classification: Benign. Last evaluated: 2025-07-28. Review status: criteria provided, single submitter. Criteria: ARUP Molecular Germline Variant Investigation Process 2024. Collection method: clinical testing. Allele origin: germline.

Blueprint Genetics
Classification: Benign. Last evaluated: 2024-11-27. Review status: criteria provided, single submitter. Criteria: ACMG Guidelines, 2015. Collection method: clinical testing. Allele origin: germline.

GeneDx
Classification: Benign. Last evaluated: 2019-07-10. Review status: criteria provided, single submitter. Criteria: GeneDx Variant Classification Process June 2021. Collection method: clinical testing. Allele origin: germline. Affected: yes.

Molecular Diagnostic Laboratory for Inherited Cardiovascular Disease, Montreal Heart Institute
Classification: Benign. Last evaluated: 2016-05-17. Review status: criteria provided, single submitter. Criteria: ACMG Guidelines, 2015. Collection method: clinical testing. Allele origin: germline. Affected: yes.

Ambry Genetics
Classification: Benign for Cardiovascular phenotype. Last evaluated: 2015-06-12. Review status: criteria provided, single submitter. Criteria: Ambry Variant Classification Scheme 2023. Collection method: clinical testing. Allele origin: germline.

Laboratory for Molecular Medicine, Mass General Brigham Personalized Medicine
Classification: Benign. Last evaluated: 2011-09-16. Review status: criteria provided, single submitter. Criteria: LMM Criteria. Collection method: clinical testing. Allele origin: germline. Observed: 1,244 variant alleles.
Comment: This variant is classified as benign because it does not change the amino acid a nd is frequent in the general population (rs178640, MAF >1%).

Breakthrough Genomics
Classification: Benign. Review status: criteria provided, single submitter. Criteria: ACMG Guidelines, 2015. Collection method: not provided. Allele origin: germline. Inheritance: Autosomal dominant inheritance. Affected: yes.

PreventionGenetics, part of Exact Sciences
Classification: Benign. Review status: criteria provided, single submitter. Criteria: ACMG Guidelines, 2015. Collection method: clinical testing. Allele origin: germline.

Clinical Genetics DNA and cytogenetics Diagnostics Lab, Erasmus MC, Erasmus Medical Center
Classification: Benign. Review status: no assertion criteria provided. Collection method: clinical testing. Allele origin: germline. Affected: yes. Study: VKGL Data-share Consensus. Not counted in ClinVar's aggregate classification.

Clinical Genetics, Academic Medical Center
Classification: Benign. Review status: no assertion criteria provided. Collection method: clinical testing. Allele origin: germline. Affected: yes. Study: VKGL Data-share Consensus. Not counted in ClinVar's aggregate classification.

Diagnostic Laboratory, Department of Genetics, University Medical Center Groningen
Classification: Benign. Review status: no assertion criteria provided. Collection method: clinical testing. Allele origin: germline. Affected: yes. Study: VKGL Data-share Consensus. Not counted in ClinVar's aggregate classification.

Joint Genome Diagnostic Labs from Nijmegen and Maastricht, Radboudumc and MUMC+
Classification: Benign. Review status: no assertion criteria provided. Collection method: clinical testing. Allele origin: germline. Affected: yes. Study: VKGL Data-share Consensus. Not counted in ClinVar's aggregate classification.